The following is an entry in ClinVar:

ClinVar aggregate classification (germline): Uncertain significance (1 of 4 stars; one submission).

Conditions:
Charcot-Marie-Tooth disease type 4. Also called: Charcot-Marie-Tooth disease, type IV; Charcot-Marie-Tooth, Type 4. Identifiers: Orphanet 64749, MedGen C4082197, MONDO:0018995.

Allele frequency attached by ClinVar (database versions not stated): gnomAD exomes 0.00002; TOPMed 0.00002; ExAC 0.00002; gnomAD 0.00002 and 0.00003; 1000 Genomes Project 30x 0.00016; 1000 Genomes Project 0.00020.
gnomAD v4.1: 30 of 1,613,966 alleles (0.0019%); highest among the groups gnomAD compares: East Asian, 0.0067%; no homozygotes.

Submission:

Labcorp Genetics (formerly Invitae), Labcorp
Classification: Uncertain significance for Charcot-Marie-Tooth disease type 4. Last evaluated: 2022-08-19. Review status: criteria provided, single submitter. Criteria: Invitae Variant Classification Sherloc (09022015). Collection method: clinical testing. Allele origin: germline.
Comment: This sequence change replaces valine, which is neutral and non-polar, with methionine, which is neutral and non-polar, at codon 615 of the SH3TC2 protein (p.Val615Met). This variant is present in population databases (rs577783066, gnomAD 0.02%). This variant has not been reported in the literature in individuals affected with SH3TC2-related conditions. ClinVar contains an entry for this variant (Variation ID: 652525). Advanced modeling of protein sequence and biophysical properties (such as structural, functional, and spatial information, amino acid conservation, physicochemical variation, residue mobility, and thermodynamic stability) performed at Invitae indicates that this missense variant is not expected to disrupt SH3TC2 protein function. In summary, the available evidence is currently insufficient to determine the role of this variant in disease. Therefore, it has been classified as a Variant of Uncertain Significance.

NM_024577.4(SH3TC2):c.1843G>A (p.Val615Met)

Gene: SH3TC2 (SH3 domain and tetratricopeptide repeats 2; minus strand). Cytogenetic location: 5q32.
Variant type: single nucleotide variant.
Coding change: c.1843G>A on transcript NM_024577.4 (MANE Select); coding-DNA position 1843, G replaced by A.
Protein change: p.Val615Met; replaces valine 615 with methionine.
Molecular consequence: missense variant.
Genome position (GRCh38, 1-based): chr5:149,027,889, C>T on the plus strand (G>A on the coding strand, the complement: SH3TC2 is on the minus strand). VCF-style: chr5-149027889-C-T. GRCh37 (hg19) VCF-style: chr5-148407452-C-T.
Other names: short protein forms V615M.
Identifiers: ClinVar variation 652525 (VCV000652525.6), dbSNP rs577783066, ClinGen allele CA3499107.